The following is an entry in ClinVar:

ClinVar aggregate classification (germline): Uncertain significance (1 of 4 stars; one submission).

Conditions:
Hereditary sensory neuropathy-deafness-dementia syndrome. Also called: HSN IE; Hereditary sensory neuropathy type IE; NEUROPATHY, HEREDITARY SENSORY, WITH HEARING LOSS AND DEMENTIA; Hereditary Sensory and Autonomic Neuropathy Type 1E (HSAN1E). Identifiers: Orphanet 456318, MedGen C3279885, MONDO:0013584, OMIM 614116.

Submission:

Labcorp Genetics (formerly Invitae), Labcorp
Classification: Uncertain significance for Hereditary sensory neuropathy-deafness-dementia syndrome. Last evaluated: 2023-10-18. Review status: criteria provided, single submitter. Criteria: Invitae Variant Classification Sherloc (09022015). Collection method: clinical testing. Allele origin: germline.
Comment: This sequence change falls in intron 7 of the DNMT1 gene. It does not directly change the encoded amino acid sequence of the DNMT1 protein. It affects a nucleotide within the consensus splice site. This variant is not present in population databases (gnomAD no frequency). This variant has not been reported in the literature in individuals affected with DNMT1-related conditions. Variants that disrupt the consensus splice site are a relatively common cause of aberrant splicing (PMID: 17576681, 9536098). Algorithms developed to predict the effect of sequence changes on RNA splicing suggest that this variant is not likely to affect RNA splicing. In summary, the available evidence is currently insufficient to determine the role of this variant in disease. Therefore, it has been classified as a Variant of Uncertain Significance.

Literature cited by the submitters: PubMed 17576681; PubMed 9536098.

NM_001130823.3(DNMT1):c.648+4G>C

Gene: DNMT1 (DNA methyltransferase 1; minus strand). Cytogenetic location: 19p13.2.
Variant type: single nucleotide variant.
Coding change: c.648+4G>C on transcript NM_001130823.3 (MANE Select); 4 bases into the intron after coding-DNA position 648, G replaced by C.
Molecular consequence: intron variant.
Genome position (GRCh38, 1-based): chr19:10,175,536, C>G on the plus strand (G>C on the coding strand, the complement: DNMT1 is on the minus strand). VCF-style: chr19-10175536-C-G. GRCh37 (hg19) VCF-style: chr19-10286212-C-G.
Other names: c.285+4G>C (NM_001318731.2); c.600+4G>C (NM_001379.4, NM_001318730.2).
Identifiers: ClinVar variation 2795666 (VCV002795666.3), dbSNP rs2513878580, ClinGen allele CA2739276442.